The following is an entry in ClinVar:

ClinVar aggregate classification (germline): Uncertain significance (1 of 4 stars; one submission).

Conditions:
Hereditary cancer-predisposing syndrome. Also called: Neoplastic Syndromes, Hereditary; Tumor predisposition; Hereditary Cancer Syndrome; Hereditary neoplastic syndrome. Identifiers: Orphanet 140162, MedGen C0027672, MeSH D009386, MONDO:0015356.

Submission:

Ambry Genetics
Classification: Uncertain significance for Hereditary cancer-predisposing syndrome. Last evaluated: 2019-08-14. Review status: criteria provided, single submitter. Criteria: Ambry Variant Classification Scheme 2023. Collection method: clinical testing. Allele origin: germline.
Comment: The p.D6Y variant (also known as c.16G>T), located in coding exon 1 of the CHEK2 gene, results from a G to T substitution at nucleotide position 16. The aspartic acid at codon 6 is replaced by tyrosine, an amino acid with highly dissimilar properties. This amino acid position is not well conserved in available vertebrate species. In addition, the in silico prediction for this alteration is inconclusive. Since supporting evidence is limited at this time, the clinical significance of this alteration remains unclear.

NM_007194.4(CHEK2):c.16G>T (p.Asp6Tyr)

Gene: CHEK2 (checkpoint kinase 2; minus strand). Cytogenetic location: 22q12.1.
Variant type: single nucleotide variant.
Coding change: c.16G>T on transcript NM_007194.4 (MANE Select); coding-DNA position 16, G replaced by T.
Protein change: p.Asp6Tyr; replaces aspartic acid 6 with tyrosine.
Molecular consequence: missense variant.
Genome position (GRCh38, 1-based): chr22:28,734,706, C>A on the plus strand (G>T on the coding strand, the complement: CHEK2 is on the minus strand). VCF-style: chr22-28734706-C-A. GRCh37 (hg19) VCF-style: chr22-29130694-C-A.
Other names: c.16G>T, p.Asp6Tyr (NM_001005735.3, NM_001349956.3, NM_145862.3); c.-762G>T (NM_001257387.3); short protein forms D6Y.
Identifiers: ClinVar variation 819875 (VCV000819875.4), dbSNP rs1555932944, ClinGen allele CA411092094.